The following is an entry in ClinVar:

NM_000053.4(ATP7B):c.2125C>T (p.Leu709Phe)

Gene: ATP7B (ATPase copper transporting beta; minus strand). Cytogenetic location: 13q14.3.
Variant type: single nucleotide variant.
Coding change: c.2125C>T on transcript NM_000053.4 (MANE Select); coding-DNA position 2125, C replaced by T.
Protein change: p.Leu709Phe; replaces leucine 709 with phenylalanine.
Molecular consequence: missense variant. On other transcripts: intron variant (20).
Genome position (GRCh38, 1-based): chr13:51,958,541, G>A on the plus strand (C>T on the coding strand, the complement: ATP7B is on the minus strand). VCF-style: chr13-51958541-G-A. GRCh37 (hg19) VCF-style: chr13-52532677-G-A.
Other names: c.2125C>T, p.Leu709Phe (NM_001406519.1, NM_001406523.1, NM_001406525.1 and 7 more transcripts); c.1873C>T, p.Leu625Phe (NM_001406531.1, NM_001406532.1, NM_001406540.1 and 1 more transcripts); c.1696C>T, p.Leu566Phe (NM_001406539.1); c.1777C>T, p.Leu593Phe (NM_001406543.1); c.1870-934C>T (NM_001406541.1, NM_001005918.3, NM_001406546.1 and 1 more transcripts); c.2122-934C>T (NM_001406527.1, NM_001406528.1, NM_001406534.1 and 2 more transcripts); c.2122-141C>T (NM_001406537.1, NM_001406521.1, NM_001406522.1 and 1 more transcripts); c.1286-8380C>T (NM_001406548.1); and 8 more; short protein forms L593F, L598F, L677F, L709F, L566F, L625F, L698F.
Identifiers: ClinVar variation 2715663 (VCV002715663.6), dbSNP rs769864947, ClinGen allele CA6989103.

ClinVar aggregate classification (germline): Conflicting classifications of pathogenicity. Review status: criteria provided, conflicting classifications (1 of 4 stars). 3 submissions from 3 submitters: Uncertain significance (2); Likely benign (1). Last evaluated 2026-01-09.

Conditions:
Wilson disease (WND). Also called: Wilson's disease. Identifiers: Orphanet 905, MedGen C0019202, MONDO:0010200, OMIM 277900. Disease mechanism: loss of function.

Allele frequency attached by ClinVar (database versions not stated): gnomAD 0.00001; gnomAD exomes 0.00004; ExAC 0.00011.
gnomAD v4.1: 60 of 1,613,848 alleles (0.0037%); highest among the groups gnomAD compares: South Asian, 0.064%; 1 homozygote.

Submissions (3):

Labcorp Genetics (formerly Invitae), Labcorp
Classification: Likely benign for Wilson disease. Last evaluated: 2026-01-09. Review status: criteria provided, single submitter. Criteria: Invitae Variant Classification Sherloc (09022015). Collection method: clinical testing. Allele origin: germline.

All of Us Research Program, National Institutes of Health
Classification: Uncertain significance for Wilson disease. Last evaluated: 2024-09-02. Review status: criteria provided, single submitter. Criteria: ACMG Guidelines, 2015. Collection method: clinical testing. Allele origin: germline. Inheritance: Autosomal recessive inheritance. Observed: 3 variant alleles, 3 heterozygotes.
Comment: This missense variant replaces leucine with phenylalanine at codon 709 of the ATP7B protein. Computational prediction suggests that this variant may not impact protein structure and function (internally defined REVEL score threshold <= 0.5, PMID: 27666373). To our knowledge, functional studies have not been reported for this variant. This variant has not been reported in individuals affected with ATP7B-related disorders in the literature. This variant has been identified in 25/248772 chromosomes in the general population by the Genome Aggregation Database (gnomAD). The available evidence is insufficient to determine the role of this variant in disease conclusively. Therefore, this variant is classified as a Variant of Uncertain Significance.

This study involves interpretation of variants in research participants for the purpose of population health screening. Participant phenotype was not available at the time of variant classification. Additional details can be found in publication PMID: 35346344, PMCID: PMC8962531

Color Diagnostics, LLC DBA Color Health
Classification: Uncertain significance for Wilson disease. Last evaluated: 2023-03-29. Review status: criteria provided, single submitter. Criteria: ACMG Guidelines, 2015. Collection method: clinical testing. Allele origin: germline.
Comment: This missense variant replaces leucine with phenylalanine at codon 709 of the ATP7B protein. Computational prediction suggests that this variant may not impact protein structure and function (internally defined REVEL score threshold <= 0.5, PMID: 27666373). To our knowledge, functional studies have not been reported for this variant. This variant has not been reported in individuals affected with ATP7B-related disorders in the literature. This variant has been identified in 25/248772 chromosomes in the general population by the Genome Aggregation Database (gnomAD). The available evidence is insufficient to determine the role of this variant in disease conclusively. Therefore, this variant is classified as a Variant of Uncertain Significance.